The following is an entry in ClinVar:

NM_000426.4(LAMA2):c.1289_1290insT (p.Glu430fs)

Gene: LAMA2 (laminin subunit alpha 2; plus strand). Cytogenetic location: 6q22.33.
Variant type: Insertion.
Coding change: c.1289_1290insT on transcript NM_000426.4 (MANE Select); coding-DNA positions 1289 to 1290, T inserted.
Protein change: p.Glu430fs; shifts the reading frame from glutamic acid 430.
Molecular consequence: frameshift variant.
Genome position: GRCh38 VCF-style: chr6-129165658-A-AT. GRCh37 (hg19) VCF-style: chr6-129486803-A-AT.
Other names: c.1289_1290insT, p.Glu430fs (NM_001079823.2); short protein forms E430fs.
Identifiers: ClinVar variation 1724448 (VCV001724448.3), dbSNP rs2482670548, ClinGen allele CA2580074894.

ClinVar aggregate classification (germline): Likely pathogenic (1 of 4 stars; one submission).

Conditions:
LAMA2-related muscular dystrophy (LAMA2-RD). Also called: Laminin alpha 2-related dystrophy. Identifiers: MedGen C5679788, MONDO:0100228.

Submission:

Myriad Genetics, Inc.
Classification: Likely pathogenic for LAMA2-related muscular dystrophy. Last evaluated: 2022-02-17. Review status: criteria provided, single submitter. Criteria: Myriad Autosomal Dominant, Autosomal Recessive and X-Linked Classification Criteria (2023). Collection method: clinical testing. Allele origin: unknown.
Comment: NM_000426.3(LAMA2):c.1289_1290insT(E430Dfs*25) is expected to be pathogenic in the context of muscular dystrophy, LAMA2-related. This variant is predicted to lead to an abnormal or absent protein product due to the creation of a premature termination codon in LAMA2, a gene where loss-of-function variants are known to be pathogenic. Please note: this variant was assessed in the context of healthy population screening.